The following is an entry in ClinVar:

NM_002911.4(UPF1):c.2191G>A (p.Val731Met)

Gene: UPF1 (UPF1 RNA helicase and ATPase; plus strand). Cytogenetic location: 19p13.11.
Variant type: single nucleotide variant.
Coding change: c.2191G>A on transcript NM_002911.4 (MANE Select); coding-DNA position 2191, G replaced by A.
Protein change: p.Val731Met; replaces valine 731 with methionine.
Molecular consequence: missense variant.
Genome position (GRCh38, 1-based): chr19:18,860,329, G>A. VCF-style: chr19-18860329-G-A. GRCh37 (hg19) VCF-style: chr19-18971138-G-A.
Other names: c.2224G>A, p.Val742Met (NM_001297549.2); short protein forms V731M, V742M.
Identifiers: ClinVar variation 3359413 (VCV003359413.1).

ClinVar aggregate classification (germline): Uncertain significance (1 of 4 stars; one submission).

Submission:

GeneDx
Classification: Uncertain significance. Last evaluated: 2023-06-05. Review status: criteria provided, single submitter. Criteria: GeneDx Variant Classification Process June 2021. Collection method: clinical testing. Allele origin: germline. Affected: yes.
Comment: Not observed at significant frequency in large population cohorts (gnomAD); In silico analysis supports that this missense variant does not alter protein structure/function; Has not been previously published as pathogenic or benign to our knowledge